The following is an entry in ClinVar:

NM_004287.5(GOSR2):c.2T>G (p.Met1Arg)

Genes: GOSR2 (golgi SNAP receptor complex member 2; plus strand), LRRC37A2 (leucine rich repeat containing 37 member A2). Cytogenetic location: 17q21.32.
Variant type: single nucleotide variant.
Coding change: c.2T>G on transcript NM_004287.5 (MANE Select); coding-DNA position 2, T replaced by G.
Protein change: p.Met1Arg; changes the start codon (methionine 1).
Molecular consequence: missense variant, initiator codon variant. On other transcripts: 5 prime UTR variant (2), non-coding transcript variant (3).
Genome position (GRCh38, 1-based): chr17:46,923,194, T>G. VCF-style: chr17-46923194-T-G. GRCh37 (hg19) VCF-style: chr17-45000560-T-G.
Other names: c.2T>G, p.Met1Arg (NM_001012511.3, NM_001321133.2, NM_001330252.2 and 4 more transcripts); c.-101T>G (NM_001321134.2); c.-464T>G (NM_001363851.2); short protein forms M1R.
Identifiers: ClinVar variation 1324496 (VCV001324496.4), dbSNP rs751712181, ClinGen allele CA8621096.

ClinVar aggregate classification (germline): Pathogenic. Review status: criteria provided, single submitter (1 of 4 stars). 2 submissions from 2 submitters: Pathogenic (1). 1 of the submissions does not count toward it. Last evaluated 2024-09-09.

Conditions:
Muscular dystrophy, congenital, with or without seizures (MYOS). Identifiers: MedGen C5774274, MONDO:0859336, OMIM 620166.

Allele frequency attached by ClinVar (database versions not stated): gnomAD 0.00002; gnomAD exomes 0.00002; TOPMed 0.00002; ExAC 0.00005.
gnomAD v4.1: 14 of 1,546,228 alleles (0.00091%); highest among the groups gnomAD compares: African/African-American, 0.0027%; no homozygotes.

Submissions (2):

GeneDx
Classification: Pathogenic. Last evaluated: 2024-09-09. Review status: criteria provided, single submitter. Criteria: GeneDx Variant Classification Process June 2021. Collection method: clinical testing. Allele origin: germline. Affected: yes.
Comment: Initiation codon variant in a gene for which loss-of-function is a known mechanism of disease; This variant is associated with the following publications: (PMID: 30954670, 32105965, 29855340)

OMIM
Classification: Pathogenic for MUSCULAR DYSTROPHY, CONGENITAL, WITH SEIZURES. Last evaluated: 2022-12-22. Review status: no assertion criteria provided. Collection method: literature only. Allele origin: germline. Not counted in ClinVar's aggregate classification.

Literature cited by the submitters: PubMed 29855340 (cited by OMIM); PubMed 33639315 (cited by OMIM).